The following is an entry in ClinVar:

NM_000217.3(KCNA1):c.145G>C (p.Glu49Gln)

Gene: KCNA1 (potassium voltage-gated channel subfamily A member 1; plus strand). Cytogenetic location: 12p13.32.
Variant type: single nucleotide variant.
Coding change: c.145G>C on transcript NM_000217.3 (MANE Select); coding-DNA position 145, G replaced by C.
Protein change: p.Glu49Gln; replaces glutamic acid 49 with glutamine.
Molecular consequence: missense variant.
Genome position (GRCh38, 1-based): chr12:4,911,523, G>C. VCF-style: chr12-4911523-G-C. GRCh37 (hg19) VCF-style: chr12-5020689-G-C.
Other names: short protein forms E49Q.
Identifiers: ClinVar variation 1505458 (VCV001505458.23), dbSNP rs1384353122, ClinGen allele CA383453896.
Genomic context (GRCh38, chr12:4,911,523, plus strand): 5'-GACCACGACGACCACGAGTGCTGCGAGCGCGTGGTGATCAACATCTCCGGGCTGCGCTTC[G>C]AGACGCAGCTCAAGACCCTGGCGCAGTTCCCCAACACGCTGCTGGGCAACCCTAAGAAAC-3'
Protein context (NP_000208.2, residues 39-59): VVINISGLRF[Glu49Gln]TQLKTLAQFP

ClinVar aggregate classification (germline): Uncertain significance. Review status: criteria provided, multiple submitters, no conflicts (2 of 4 stars). 2 submissions from 2 submitters: Uncertain significance (2). Last evaluated 2025-01-13.

Conditions:
Episodic ataxia type 1 (EA1). Also called: Episodic ataxia/myokymia syndrome; ATAXIA, EPISODIC, WITH MYOKYMIA; MYOKYMIA WITH PERIODIC ATAXIA; PAROXYSMAL ATAXIA WITH NEUROMYOTONIA, HEREDITARY. Identifiers: Orphanet 37612, Orphanet 972, MedGen C1719788, MONDO:0008047, OMIM 160120.

Allele frequency attached by ClinVar (database versions not stated): gnomAD exomes below 0.00001 and 0.00001; TOPMed below 0.00001; gnomAD 0.00001.
gnomAD v4.1: 5 of 1,614,056 alleles (0.00031%); highest among the groups gnomAD compares: Non-Finnish European, 0.00025%; no homozygotes.

Submissions (2):

Labcorp Genetics (formerly Invitae), Labcorp
Classification: Uncertain significance for Episodic ataxia type 1. Last evaluated: 2025-01-13. Review status: criteria provided, single submitter. Criteria: Invitae Variant Classification Sherloc (09022015). Collection method: clinical testing. Allele origin: germline.
Comment: This sequence change replaces glutamic acid, which is acidic and polar, with glutamine, which is neutral and polar, at codon 49 of the KCNA1 protein (p.Glu49Gln). This variant is present in population databases (no rsID available, gnomAD 0.0009%). This missense change has been observed in individual(s) with myopathy (PMID: 34418069). ClinVar contains an entry for this variant (Variation ID: 1505458). Invitae Evidence Modeling of protein sequence and biophysical properties (such as structural, functional, and spatial information, amino acid conservation, physicochemical variation, residue mobility, and thermodynamic stability) has been performed for this missense variant. However, the output from this modeling did not meet the statistical confidence thresholds required to predict the impact of this variant on KCNA1 protein function. In summary, the available evidence is currently insufficient to determine the role of this variant in disease. Therefore, it has been classified as a Variant of Uncertain Significance.

CeGaT Center for Human Genetics Tuebingen
Classification: Uncertain significance. Last evaluated: 2024-07-01. Review status: criteria provided, single submitter. Criteria: CeGaT Center For Human Genetics Tuebingen Variant Classification Criteria Version 2. Collection method: clinical testing. Allele origin: germline. Affected: yes. Observed: 1 variant allele.
Comment: KCNA1: PM2:Supporting, PP2, PP3

Literature cited by the submitters: PubMed 34418069 (cited by Labcorp Genetics (formerly Invitae), Labcorp).